The following is an entry in ClinVar:

ClinVar aggregate classification (germline): Uncertain significance. Review status: criteria provided, multiple submitters, no conflicts (2 of 4 stars). 2 submissions from 2 submitters: Uncertain significance (2). Last evaluated 2021-08-04.

Conditions:
Hereditary cancer-predisposing syndrome. Also called: Neoplastic Syndromes, Hereditary; Tumor predisposition; Hereditary Cancer Syndrome; Hereditary neoplastic syndrome. Identifiers: Orphanet 140162, MedGen C0027672, MeSH D009386, MONDO:0015356.
Hereditary nonpolyposis colorectal neoplasms. Identifiers: MedGen C0009405, MeSH D003123.

Submissions (2):

Color Diagnostics, LLC DBA Color Health
Classification: Uncertain significance for Hereditary cancer-predisposing syndrome. Last evaluated: 2021-08-04. Review status: criteria provided, single submitter. Criteria: ACMG Guidelines, 2015. Collection method: clinical testing. Allele origin: germline.
Comment: This missense variant replaces glycine with arginine at codon 256 of the PMS2 protein. Computational prediction is inconclusive regarding the impact of this variant on protein structure and function (internally defined REVEL score threshold 0.5 < inconclusive < 0.7, PMID: 27666373). To our knowledge, functional studies have not been reported for this variant. This variant has not been reported in individuals affected with hereditary cancer in the literature. This variant has not been identified in the general population by the Genome Aggregation Database (gnomAD). The available evidence is insufficient to determine the role of this variant in disease conclusively. Therefore, this variant is classified as a Variant of Uncertain Significance.

Labcorp Genetics (formerly Invitae), Labcorp
Classification: Uncertain significance for Hereditary nonpolyposis colon cancer. Last evaluated: 2018-10-30. Review status: criteria provided, single submitter. Criteria: Invitae Variant Classification Sherloc (09022015). Collection method: clinical testing. Allele origin: germline.
Comment: This sequence change replaces glycine with arginine at codon 256 of the PMS2 protein (p.Gly256Arg). The glycine residue is highly conserved and there is a moderate physicochemical difference between glycine and arginine. This variant is not present in population databases (ExAC no frequency). This variant has not been reported in the literature in individuals with PMS2-related disease. Algorithms developed to predict the effect of missense changes on protein structure and function are either unavailable or do not agree on the potential impact of this missense change (SIFT: "Deleterious"; PolyPhen-2: "Probably Damaging"; Align-GVGD: "Class C15"). In summary, the available evidence is currently insufficient to determine the role of this variant in disease. Therefore, it has been classified as a Variant of Uncertain Significance.

NM_000535.7(PMS2):c.766G>C (p.Gly256Arg)

Gene: PMS2 (PMS1 homolog 2, mismatch repair system component; minus strand). Cytogenetic location: 7p22.1.
Variant type: single nucleotide variant.
Coding change: c.766G>C on transcript NM_000535.7 (MANE Select); coding-DNA position 766, G replaced by C.
Protein change: p.Gly256Arg; replaces glycine 256 with arginine.
Molecular consequence: missense variant. On other transcripts: 5 prime UTR variant (2), non-coding transcript variant (1).
Genome position (GRCh38, 1-based): chr7:5,997,363, C>G on the plus strand (G>C on the coding strand, the complement: PMS2 is on the minus strand). VCF-style: chr7-5997363-C-G. GRCh37 (hg19) VCF-style: chr7-6036994-C-G.
Other names: c.361G>C, p.Gly121Arg (NM_001322003.2, NM_001322004.2, NM_001322005.2 and 2 more transcripts); c.766G>C, p.Gly256Arg (NM_001322006.2, NM_001322014.2); c.448G>C, p.Gly150Arg (NM_001322007.2, NM_001322008.2); c.-168G>C (NM_001322011.2, NM_001322012.2); c.193G>C, p.Gly65Arg (NM_001322013.2); c.457G>C, p.Gly153Arg (NM_001322015.2); short protein forms G256R, G150R, G65R, G121R, G153R.
Identifiers: ClinVar variation 640805 (VCV000640805.3), dbSNP rs587782633, ClinGen allele CA153239537.
Genomic context (GRCh38, chr7:5,997,363, plus strand): 5'-TCTCTTGCCAGCAATCTACTTACTAAAAAAGATTATGCAGAGCATCGGAACAGCTCAAAC[C>G]GTACTCTTCACACACGGAGTCACTAGGGGGCAGCTGAACAAAAGGAATGAGGCTTTGCAA-3'
Protein context (NP_000526.2, residues 246-266): PPSDSVCEEY[Gly256Arg]LSCSDALHNL